The following is an entry in ClinVar:

NM_001267550.2(TTN):c.26554A>G (p.Thr8852Ala)

Gene: TTN (titin; minus strand). Cytogenetic location: 2q31.2.
Variant type: single nucleotide variant.
Coding change: c.26554A>G on transcript NM_001267550.2 (MANE Select); coding-DNA position 26554, A replaced by G.
Protein change: p.Thr8852Ala; replaces threonine 8852 with alanine.
Molecular consequence: missense variant. On other transcripts: intron variant (3).
Genome position (GRCh38, 1-based): chr2:178,714,104, T>C on the plus strand (A>G on the coding strand, the complement: TTN is on the minus strand). VCF-style: chr2-178714104-T-C. GRCh37 (hg19) VCF-style: chr2-179578831-T-C.
Other names: c.25603A>G, p.Thr8535Ala (NM_001256850.1); c.22822A>G, p.Thr7608Ala (NM_133378.4); c.13282+23978A>G (NM_003319.4); c.13858+23978A>G (NM_133437.4); c.13657+23978A>G (NM_133432.3); short protein forms T7608A, T8535A, T8852A.
Identifiers: ClinVar variation 3894758 (VCV003894758.1).

ClinVar aggregate classification (germline): Likely benign (1 of 4 stars; one submission).

Submission:

Molecular Diagnostic Laboratory for Inherited Cardiovascular Disease, Montreal Heart Institute
Classification: Likely benign. Last evaluated: 2025-04-09. Review status: criteria provided, single submitter. Criteria: ACMG Guidelines, 2015. Collection method: clinical testing. Allele origin: germline. Affected: no.
Comment: BP1